The following is an entry in ClinVar:

NM_000465.4(BARD1):c.1670G>T (p.Cys557Phe)

Gene: BARD1 (BRCA1 associated RING domain 1; minus strand). Cytogenetic location: 2q35.
Variant type: single nucleotide variant.
Coding change: c.1670G>T on transcript NM_000465.4 (MANE Select); coding-DNA position 1670, G replaced by T.
Protein change: p.Cys557Phe; replaces cysteine 557 with phenylalanine.
Molecular consequence: missense variant. On other transcripts: non-coding transcript variant (3), intron variant (1).
Genome position (GRCh38, 1-based): chr2:214,752,454, C>A on the plus strand (G>T on the coding strand, the complement: BARD1 is on the minus strand). VCF-style: chr2-214752454-C-A. GRCh37 (hg19) VCF-style: chr2-215617178-C-A.
Other names: c.1613G>T, p.Cys538Phe (NM_001282543.2); c.317G>T, p.Cys106Phe (NM_001282545.2); c.260G>T, p.Cys87Phe (NM_001282548.2); c.365-21946G>T (NM_001282549.2); short protein forms C106F, C538F, C557F, C87F.
Identifiers: ClinVar variation 2900407 (VCV002900407.3), dbSNP rs28997576, ClinGen allele CA350454532.
Genomic context (GRCh38, chr2:214,752,454, plus strand): 5'-ATAACCAATTTTAATAAAATATATAAATGTCCCAAAGCTAAATCCATACTTACTACTGAG[C>A]AGTGGCTAGCTGAGGATGATTCATTCTTCTCTGGTAGCAGCAATAGCGATTTCATACTTT-3'
Protein context (NP_000456.2, residues 547-567): EKNESSSASH[Cys557Phe]SVMNTGQRRD

ClinVar aggregate classification (germline): Uncertain significance (1 of 4 stars; one submission).

Conditions:
Familial cancer of breast. Also called: hereditary breast carcinoma; BREAST CANCER, FAMILIAL; Hereditary breast cancer. Identifiers: Orphanet 227535, MedGen C0346153, MONDO:0016419, OMIM 114480. Disease mechanism: loss of function.

gnomAD v4.1: 1 of 1,606,484 alleles (0.000062%); no homozygotes.

Submission:

Labcorp Genetics (formerly Invitae), Labcorp
Classification: Uncertain significance for Familial cancer of breast. Last evaluated: 2025-04-08. Review status: criteria provided, single submitter. Criteria: Invitae Variant Classification Sherloc (09022015). Collection method: clinical testing. Allele origin: germline.
Comment: This sequence change replaces cysteine, which is neutral and slightly polar, with phenylalanine, which is neutral and non-polar, at codon 557 of the BARD1 protein (p.Cys557Phe). This variant is not present in population databases (gnomAD no frequency). This variant has not been reported in the literature in individuals affected with BARD1-related conditions. ClinVar contains an entry for this variant (Variation ID: 2900407). An algorithm developed to predict the effect of missense changes on protein structure and function (PolyPhen-2) suggests that this variant is likely to be tolerated. In summary, the available evidence is currently insufficient to determine the role of this variant in disease. Therefore, it has been classified as a Variant of Uncertain Significance.